The following is an entry in ClinVar:

ClinVar aggregate classification (germline): Uncertain significance. Review status: criteria provided, multiple submitters, no conflicts (2 of 4 stars). 3 submissions from 3 submitters: Uncertain significance (3). Last evaluated 2026-01-28.

Conditions:
Dilated cardiomyopathy 1GG (CMD1GG). Identifiers: Orphanet 154, MedGen C3150898, MONDO:0013339, OMIM 613642.
Mitochondrial complex II deficiency, nuclear type 1. Also called: SUCCINATE CoQ REDUCTASE DEFICIENCY. Identifiers: Orphanet 3208, MedGen C5700310, MONDO:0100294, OMIM 252011.
Pheochromocytoma/paraganglioma syndrome 5. Also called: Paragangliomas 5; SDHA-Related Hereditary Paraganglioma-Pheochromocytoma Syndrome. Identifiers: Orphanet 29072, MedGen C3279992, MONDO:0013602, OMIM 614165.
Hereditary cancer-predisposing syndrome. Also called: Neoplastic Syndromes, Hereditary; Tumor predisposition; Hereditary neoplastic syndrome; Hereditary Cancer Syndrome. Identifiers: Orphanet 140162, MedGen C0027672, MeSH D009386, MONDO:0015356.

Allele frequency attached by ClinVar (database versions not stated): TOPMed 0.00002.

Submissions (3):

Labcorp Genetics (formerly Invitae), Labcorp
Classification: Uncertain significance for Pheochromocytoma/paraganglioma syndrome 5; Mitochondrial complex II deficiency, nuclear type 1. Last evaluated: 2026-01-28. Review status: criteria provided, single submitter. Criteria: Invitae Variant Classification Sherloc (09022015). Collection method: clinical testing. Allele origin: germline.
Comment: This sequence change replaces glycine, which is neutral and non-polar, with alanine, which is neutral and non-polar, at codon 3 of the SDHA protein (p.Gly3Ala). This variant is not present in population databases (gnomAD no frequency). This variant has not been reported in the literature in individuals affected with SDHA-related conditions. ClinVar contains an entry for this variant (Variation ID: 580088). Invitae Evidence Modeling of protein sequence and biophysical properties (such as structural, functional, and spatial information, amino acid conservation, physicochemical variation, residue mobility, and thermodynamic stability) indicates that this missense variant is not expected to disrupt SDHA protein function with a negative predictive value of 95%. In summary, the available evidence is currently insufficient to determine the role of this variant in disease. Therefore, it has been classified as a Variant of Uncertain Significance.

Ambry Genetics
Classification: Uncertain significance for Hereditary cancer-predisposing syndrome. Last evaluated: 2025-06-25. Review status: criteria provided, single submitter. Criteria: Ambry Variant Classification Scheme 2023. Collection method: clinical testing. Allele origin: germline.
Comment: The p.G3A variant (also known as c.8G>C), located in coding exon 1 of the SDHA gene, results from a G to C substitution at nucleotide position 8. The glycine at codon 3 is replaced by alanine, an amino acid with similar properties. This amino acid position is well conserved in available vertebrate species. In addition, this alteration is predicted to be tolerated by in silico analysis. Since supporting evidence is limited at this time, the clinical significance of this alteration remains unclear.

Baylor Genetics
Classification: Uncertain significance for Dilated cardiomyopathy 1GG. Last evaluated: 2023-12-28. Review status: criteria provided, single submitter. Criteria: ACMG Guidelines, 2015. Collection method: clinical testing. Allele origin: unknown.

NM_004168.4(SDHA):c.8G>C (p.Gly3Ala)

Gene: SDHA (succinate dehydrogenase complex flavoprotein subunit A; plus strand). Cytogenetic location: 5p15.33.
Variant type: single nucleotide variant.
Coding change: c.8G>C on transcript NM_004168.4 (MANE Select); coding-DNA position 8, G replaced by C.
Protein change: p.Gly3Ala; replaces glycine 3 with alanine.
Molecular consequence: missense variant.
Genome position (GRCh38, 1-based): chr5:218,363, G>C. VCF-style: chr5-218363-G-C. GRCh37 (hg19) VCF-style: chr5-218478-G-C.
Other names: c.8G>C, p.Gly3Ala (NM_001294332.2, NM_001330758.2); short protein forms G3A.
Identifiers: ClinVar variation 580088 (VCV000580088.16), dbSNP rs1398198098, ClinGen allele CA359007252.